The following is an entry in ClinVar:

ClinVar aggregate classification (germline): Uncertain significance (1 of 4 stars; one submission).

Allele frequency attached by ClinVar (database versions not stated): 1000 Genomes Project 0.00020; gnomAD 0.00024; ExAC 0.00026; gnomAD exomes 0.00026 and 0.00039; TOPMed 0.00028; 1000 Genomes Project 30x 0.00031; ESP Exome Variant Server 0.00038.
gnomAD v4.1: 605 of 1,613,804 alleles (0.037%); highest among the groups gnomAD compares: Non-Finnish European, 0.045%; no homozygotes.

Submission:

Labcorp Genetics (formerly Invitae), Labcorp
Classification: Uncertain significance. Last evaluated: 2022-07-26. Review status: criteria provided, single submitter. Criteria: Invitae Variant Classification Sherloc (09022015). Collection method: clinical testing. Allele origin: germline.
Comment: This sequence change replaces alanine, which is neutral and non-polar, with valine, which is neutral and non-polar, at codon 163 of the POP1 protein (p.Ala163Val). This variant is present in population databases (rs143675510, gnomAD 0.05%). This variant has not been reported in the literature in individuals affected with POP1-related conditions. ClinVar contains an entry for this variant (Variation ID: 1435342). Algorithms developed to predict the effect of missense changes on protein structure and function are either unavailable or do not agree on the potential impact of this missense change (SIFT: "Tolerated"; PolyPhen-2: "Probably Damaging"; Align-GVGD: "Class C0"). In summary, the available evidence is currently insufficient to determine the role of this variant in disease. Therefore, it has been classified as a Variant of Uncertain Significance.

NM_001145860.2(POP1):c.488C>T (p.Ala163Val)

Gene: POP1 (POP1 homolog, ribonuclease P/MRP subunit; plus strand). Cytogenetic location: 8q22.2.
Variant type: single nucleotide variant.
Coding change: c.488C>T on transcript NM_001145860.2 (MANE Select); coding-DNA position 488, C replaced by T.
Protein change: p.Ala163Val; replaces alanine 163 with valine.
Molecular consequence: missense variant.
Genome position (GRCh38, 1-based): chr8:98,129,979, C>T. VCF-style: chr8-98129979-C-T. GRCh37 (hg19) VCF-style: chr8-99142207-C-T.
Other names: c.488C>T, p.Ala163Val (NM_001145861.2, NM_015029.3); short protein forms A163V.
Identifiers: ClinVar variation 1435342 (VCV001435342.3), dbSNP rs143675510, ClinGen allele CA4820336.